The following is an entry in ClinVar:

ClinVar aggregate classification (germline): Uncertain significance. Review status: criteria provided, multiple submitters, no conflicts (2 of 4 stars). 2 submissions from 2 submitters: Uncertain significance (2). Last evaluated 2022-10-06.

Conditions:
Heterotopia, periventricular, X-linked dominant (PVNH1). Also called: PERIVENTRICULAR NODULAR HETEROTOPIA 4; HETEROTOPIA, PERIVENTRICULAR, 1; PERIVENTRICULAR NODULAR HETEROTOPIA 1; X-linked periventricular heterotopia. Identifiers: Orphanet 2149, Orphanet 82004, MedGen C1848213, MONDO:0010233, OMIM 300049.
Melnick-Needles syndrome (MNS). Also called: MELNICK-NEEDLES OSTEODYSPLASTY; OSTEODYSPLASTY OF MELNICK AND NEEDLES; Melnick-Needles Syndrome (FLNA-MNS). Identifiers: Orphanet 2484, MedGen C0025237, MONDO:0010650, OMIM 309350.
Frontometaphyseal dysplasia (FMD1). Identifiers: Orphanet 1826, MedGen C0265293, MONDO:0015942.
Oto-palato-digital syndrome, type II (OPD2). Also called: FACIOPALATOOSSEOUS SYNDROME; OPD II SYNDROME; Otopalatodigital Syndrome, Type II; Otopalatodigital Syndrome Type 2 (FLNA-OPD2). Identifiers: Orphanet 669, Orphanet 90652, MedGen C1844696, MONDO:0010571, OMIM 304120.
Oto-palato-digital syndrome, type I (OPD1). Also called: OPD I SYNDROME; OPD SYNDROME 1; Taybi syndrome; Otopalatodigital Syndrome, Type I; Otopalatodigital Syndrome Type 1 (FLNA-OPD1). Identifiers: Orphanet 669, Orphanet 90650, MedGen C0265251, MONDO:0010704, OMIM 311300.
Cardiac valvular dysplasia, X-linked (CVDPX). Also called: Congenital valvular dysplasia; Isolated X-Linked Cardiac Valvular Dysplasia; FLNA-Related X-linked Cardiac Valvular Dysplasia; MYXOMATOUS VALVULAR DYSTROPHY, X-LINKED; VALVULAR HEART DISEASE, CONGENITAL. Identifiers: Orphanet 1864, Orphanet 555877, Orphanet 75497, MedGen C0262436, MONDO:0010753, OMIM 314400.
FG syndrome 2 (FGS2). Identifiers: MedGen C1845902, MONDO:0010297, OMIM 300321.
Intestinal pseudoobstruction, neuronal, chronic idiopathic, X-linked (CIIPX). Also called: FLNA-Related Periventricular Nodular Heterotopia (FLNA-Related PVNH; Huttenlocher Syndrome); CONGENITAL IDIOPATHIC INTESTINAL PSEUDOOBSTRUCTION; INTESTINAL PSEUDOOBSTRUCTION, NEURONAL, CHRONIC IDIOPATHIC, WITH CENTRAL NERVOUS SYSTEM INVOLVEMENT. Identifiers: Orphanet 2301, MedGen C2746068, MONDO:0010232, OMIM 300048.
Terminal osseous dysplasia-pigmentary defects syndrome. Also called: ODPF SYNDROME; OSSEOUS DYSPLASIA, DIGITAL, WITH FACIAL PIGMENTARY DEFECTS AND MULTIPLE FRENULA; Terminal Osseous Dysplasia (FLNA-TOD); ODPD; TERMINAL OSSEOUS DYSPLASIA AND PIGMENTARY DEFECTS. Identifiers: Orphanet 88630, MedGen C1846129, MONDO:0010279, OMIM 300244.
Frontometaphyseal dysplasia 1 (FMD1). Also called: Frontometaphyseal Dysplasia (FLNA-FMD). Identifiers: Orphanet 1826, MedGen C4281559, MONDO:0024550, OMIM 305620.

Submissions (2):

Labcorp Genetics (formerly Invitae), Labcorp
Classification: Uncertain significance for Oto-palato-digital syndrome, type II; Heterotopia, periventricular, X-linked dominant; Frontometaphyseal dysplasia; Melnick-Needles syndrome. Last evaluated: 2022-10-06. Review status: criteria provided, single submitter. Criteria: Invitae Variant Classification Sherloc (09022015). Collection method: clinical testing. Allele origin: germline.
Comment: In summary, the available evidence is currently insufficient to determine the role of this variant in disease. Therefore, it has been classified as a Variant of Uncertain Significance. This sequence change replaces isoleucine, which is neutral and non-polar, with valine, which is neutral and non-polar, at codon 822 of the FLNA protein (p.Ile822Val). This variant is not present in population databases (gnomAD no frequency). This variant has not been reported in the literature in individuals affected with FLNA-related conditions. ClinVar contains an entry for this variant (Variation ID: 1381935). Advanced modeling of protein sequence and biophysical properties (such as structural, functional, and spatial information, amino acid conservation, physicochemical variation, residue mobility, and thermodynamic stability) performed at Invitae indicates that this missense variant is not expected to disrupt FLNA protein function.

Fulgent Genetics
Classification: Uncertain significance for Intestinal pseudoobstruction, neuronal, chronic idiopathic, X-linked; Heterotopia, periventricular, X-linked dominant; Terminal osseous dysplasia-pigmentary defects syndrome; FG syndrome 2; Oto-palato-digital syndrome, type II; Frontometaphyseal dysplasia 1; Melnick-Needles syndrome; Oto-palato-digital syndrome, type I; Cardiac valvular dysplasia, X-linked. Last evaluated: 2021-12-08. Review status: criteria provided, single submitter. Criteria: ACMG Guidelines, 2015. Collection method: clinical testing. Allele origin: unknown.

NM_001110556.2(FLNA):c.2464A>G (p.Ile822Val)

Gene: FLNA (filamin A; minus strand). Cytogenetic location: Xq28.
Variant type: single nucleotide variant.
Coding change: c.2464A>G on transcript NM_001110556.2 (MANE Select); coding-DNA position 2464, A replaced by G.
Protein change: p.Ile822Val; replaces isoleucine 822 with valine.
Molecular consequence: missense variant.
Genome position (GRCh38, 1-based): chrX:154,362,519, T>C on the plus strand (A>G on the coding strand, the complement: FLNA is on the minus strand). VCF-style: chrX-154362519-T-C. GRCh37 (hg19) VCF-style: chrX-153590887-T-C.
Other names: c.2464A>G, p.Ile822Val (NM_001456.4); short protein forms I822V.
Identifiers: ClinVar variation 1381935 (VCV001381935.7), dbSNP rs2148114467, ClinGen allele CA415236608.